The following is an entry in ClinVar:

ClinVar aggregate classification (germline): Uncertain significance (0 of 4 stars; one submission).

Conditions:
EIF4G1-related disorder. Also called: EIF4G1-related condition.

Allele frequency attached by ClinVar (database versions not stated): gnomAD exomes below 0.00001; TOPMed 0.00001.

Submission:

PreventionGenetics, part of Exact Sciences
Classification: Uncertain significance for EIF4G1-related condition. Last evaluated: 2024-01-30. Review status: no assertion criteria provided. Collection method: clinical testing. Allele origin: germline.
Comment: The EIF4G1 c.734C>T variant is predicted to result in the amino acid substitution p.Pro245Leu. To our knowledge, this variant has not been reported in the literature or in a large population database, indicating this variant is rare. At this time, the clinical significance of this variant is uncertain due to the absence of conclusive functional and genetic evidence.

NM_198241.3(EIF4G1):c.734C>T (p.Pro245Leu)

Gene: EIF4G1 (eukaryotic translation initiation factor 4 gamma 1; plus strand). Cytogenetic location: 3q27.1.
Variant type: single nucleotide variant.
Coding change: c.734C>T on transcript NM_198241.3 (MANE Select); coding-DNA position 734, C replaced by T.
Protein change: p.Pro245Leu; replaces proline 245 with leucine.
Molecular consequence: missense variant.
Genome position (GRCh38, 1-based): chr3:184,321,318, C>T. VCF-style: chr3-184321318-C-T. GRCh37 (hg19) VCF-style: chr3-184039106-C-T.
Other names: c.755C>T, p.Pro252Leu (NM_001194946.2, NM_001194947.2); c.614C>T, p.Pro205Leu (NM_001291157.2); c.146C>T, p.Pro49Leu (NM_004953.5); c.734C>T, p.Pro245Leu (NM_182917.4); c.242C>T, p.Pro81Leu (NM_198242.3); c.473C>T, p.Pro158Leu (NM_198244.3); short protein forms P158L, P205L, P245L, P252L, P49L, P81L.
Identifiers: ClinVar variation 3061443 (VCV003061443.2), dbSNP rs1723878056, ClinGen allele CA355385347.
Genomic context (GRCh38, chr3:184,321,318, plus strand): 5'-TCATTCTTCCTTCCTATGGTGCAGATGACCGGTCACAGGGAGCAATCATTGCTGACCGGC[C>T]AGGGCTGCCTGGCCCAGAGCATAGCCCTTCAGAATCCCAGCCTTCGTCGCCTTCTCCGAC-3'
Protein context (NP_937884.2, residues 235-255): RSQGAIIADR[Pro245Leu]GLPGPEHSPS